The following is an entry in ClinVar:

ClinVar aggregate classification (germline): Uncertain significance (1 of 4 stars; one submission).

Conditions:
Fanconi anemia (FA). Also called: Fanconi's anemia. Identifiers: Orphanet 84, MedGen C0015625, MeSH D005199, MONDO:0019391.

Allele frequency attached by ClinVar (database versions not stated): gnomAD exomes below 0.00001.
gnomAD v4.1: 2 of 1,614,060 alleles (0.00012%); highest among the groups gnomAD compares: Non-Finnish European, 0.00017%; no homozygotes.

Submission:

Labcorp Genetics (formerly Invitae), Labcorp
Classification: Uncertain significance for Fanconi anemia. Last evaluated: 2023-07-08. Review status: criteria provided, single submitter. Criteria: Invitae Variant Classification Sherloc (09022015). Collection method: clinical testing. Allele origin: germline.
Comment: In summary, the available evidence is currently insufficient to determine the role of this variant in disease. Therefore, it has been classified as a Variant of Uncertain Significance. Algorithms developed to predict the effect of missense changes on protein structure and function output the following: SIFT: "Not Available"; PolyPhen-2: "Benign"; Align-GVGD: "Not Available". The cysteine amino acid residue is found in multiple mammalian species, which suggests that this missense change does not adversely affect protein function. This variant has not been reported in the literature in individuals affected with SLX4-related conditions. This variant is not present in population databases (gnomAD no frequency). This sequence change replaces tyrosine, which is neutral and polar, with cysteine, which is neutral and slightly polar, at codon 13 of the SLX4 protein (p.Tyr13Cys).

NM_032444.4(SLX4):c.38A>G (p.Tyr13Cys)

Gene: SLX4 (SLX4 structure-specific endonuclease subunit; minus strand). Cytogenetic location: 16p13.3.
Variant type: single nucleotide variant.
Coding change: c.38A>G on transcript NM_032444.4 (MANE Select); coding-DNA position 38, A replaced by G.
Protein change: p.Tyr13Cys; replaces tyrosine 13 with cysteine.
Molecular consequence: missense variant.
Genome position (GRCh38, 1-based): chr16:3,608,927, T>C on the plus strand (A>G on the coding strand, the complement: SLX4 is on the minus strand). VCF-style: chr16-3608927-T-C. GRCh37 (hg19) VCF-style: chr16-3658928-T-C.
Other names: short protein forms Y13C.
Identifiers: ClinVar variation 2725592 (VCV002725592.3), dbSNP rs2040817592, ClinGen allele CA394548090.